The following is an entry in ClinVar:

ClinVar aggregate classification (germline): Uncertain significance (1 of 4 stars; one submission).

Submission:

Ambry Genetics
Classification: Uncertain significance. Last evaluated: 2023-03-15. Review status: criteria provided, single submitter. Criteria: Ambry Variant Classification Scheme 2023. Collection method: clinical testing. Allele origin: germline.
Comment: The p.E1329G variant (also known as c.3986A>G), located in coding exon 8 of the MLH3 gene, results from an A to G substitution at nucleotide position 3986. The glutamic acid at codon 1329 is replaced by glycine, an amino acid with similar properties. This amino acid position is conserved. In addition, the in silico prediction for this alteration is inconclusive. Since supporting evidence is limited at this time, the clinical significance of this alteration remains unclear.

NM_001040108.2(MLH3):c.3986A>G (p.Glu1329Gly)

Gene: MLH3 (mutL homolog 3; minus strand). Cytogenetic location: 14q24.3.
Variant type: single nucleotide variant.
Coding change: c.3986A>G on transcript NM_001040108.2 (MANE Select); coding-DNA position 3986, A replaced by G.
Protein change: p.Glu1329Gly; replaces glutamic acid 1329 with glycine.
Molecular consequence: missense variant.
Genome position (GRCh38, 1-based): chr14:75,030,544, T>C on the plus strand (A>G on the coding strand, the complement: MLH3 is on the minus strand). VCF-style: chr14-75030544-T-C. GRCh37 (hg19) VCF-style: chr14-75497247-T-C.
Other names: c.3914A>G, p.Glu1305Gly (NM_014381.3); short protein forms E1305G, E1329G.
Identifiers: ClinVar variation 2563520 (VCV002563520.2), dbSNP rs2503116235, ClinGen allele CA390422395.